The following is an entry in ClinVar:

ClinVar aggregate classification (germline): Uncertain significance. Review status: criteria provided, multiple submitters, no conflicts (2 of 4 stars). 2 submissions from 2 submitters: Uncertain significance (2). Last evaluated 2025-08-29.

Conditions:
Cardiovascular phenotype. Identifiers: MedGen CN230736.

Submissions (2):

Labcorp Genetics (formerly Invitae), Labcorp
Classification: Uncertain significance. Last evaluated: 2025-08-29. Review status: criteria provided, single submitter. Criteria: Invitae Variant Classification Sherloc (09022015). Collection method: clinical testing. Allele origin: germline.
Comment: This sequence change replaces proline, which is neutral and non-polar, with arginine, which is basic and polar, at codon 308 of the ALPK3 protein (p.Pro308Arg). This variant is not present in population databases (gnomAD no frequency). This variant has not been reported in the literature in individuals affected with ALPK3-related conditions. ClinVar contains an entry for this variant (Variation ID: 1766288). An algorithm developed to predict the effect of missense changes on protein structure and function (PolyPhen-2) suggests that this variant is likely to be disruptive. In summary, the available evidence is currently insufficient to determine the role of this variant in disease. Therefore, it has been classified as a Variant of Uncertain Significance.

Ambry Genetics
Classification: Uncertain significance for Cardiovascular phenotype. Last evaluated: 2022-03-06. Review status: criteria provided, single submitter. Criteria: Ambry Variant Classification Scheme 2023. Collection method: clinical testing. Allele origin: germline.
Comment: The p.P308R variant (also known as c.923C>G), located in coding exon 4 of the ALPK3 gene, results from a C to G substitution at nucleotide position 923. The proline at codon 308 is replaced by arginine, an amino acid with dissimilar properties. This amino acid position is conserved. In addition, this alteration is predicted to be deleterious by in silico analysis. Since supporting evidence is limited at this time, the clinical significance of this alteration remains unclear.

NM_020778.5(ALPK3):c.317C>G (p.Pro106Arg)

Gene: ALPK3 (alpha kinase 3; plus strand). Cytogenetic location: 15q25.3.
Variant type: single nucleotide variant.
Coding change: c.317C>G on transcript NM_020778.5 (MANE Select); coding-DNA position 317, C replaced by G.
Protein change: p.Pro106Arg; replaces proline 106 with arginine.
Molecular consequence: missense variant.
Genome position (GRCh38, 1-based): chr15:84,838,992, C>G. VCF-style: chr15-84838992-C-G. GRCh37 (hg19) VCF-style: chr15-85382223-C-G.
Other names: short protein forms P106R.
Identifiers: ClinVar variation 1766288 (VCV001766288.3), dbSNP rs2505703851, ClinGen allele CA393371805.